The following is an entry in ClinVar:

ClinVar aggregate classification (germline): Conflicting classifications of pathogenicity. Review status: criteria provided, conflicting classifications (1 of 4 stars). 2 submissions from 2 submitters: Uncertain significance (1); Likely benign (1). Last evaluated 2025-07-13.

Conditions:
Dyskeratosis congenita, autosomal recessive 6 (DKCB6). Identifiers: MedGen C4225356, MONDO:0014600, OMIM 616353.
Pulmonary fibrosis and/or bone marrow failure, Telomere-related, 4. Also called: PULMONARY FIBROSIS AND/OR BONE MARROW FAILURE SYNDROME, TELOMERE-RELATED, 4. Identifiers: Orphanet 2032, MedGen C4225347, MONDO:0014612, OMIM 616371.

gnomAD v4.1: 12 of 1,476,190 alleles (0.00081%); highest among the groups gnomAD compares: Non-Finnish European, 0.0011%; no homozygotes.

Submissions (2):

Labcorp Genetics (formerly Invitae), Labcorp
Classification: Uncertain significance for Dyskeratosis congenita, autosomal recessive 6; Pulmonary fibrosis and/or bone marrow failure, Telomere-related, 4. Last evaluated: 2025-07-13. Review status: criteria provided, single submitter. Criteria: Invitae Variant Classification Sherloc (09022015). Collection method: clinical testing. Allele origin: germline.
Comment: This sequence change falls in intron 8 of the PARN gene. It does not directly change the encoded amino acid sequence of the PARN protein. The frequency data for this variant in the population databases is considered unreliable, as metrics indicate poor data quality at this position in the gnomAD database. This variant has not been reported in the literature in individuals affected with PARN-related conditions. Algorithms developed to predict the effect of sequence changes on RNA splicing suggest that this variant may create or strengthen a splice site. In summary, the available evidence is currently insufficient to determine the role of this variant in disease. Therefore, it has been classified as a Variant of Uncertain Significance.

Blueprint Genetics
Classification: Likely benign. Last evaluated: 2022-07-11. Review status: criteria provided, single submitter. Criteria: ACMG Guidelines, 2015. Collection method: clinical testing. Allele origin: germline.

NM_002582.4(PARN):c.620+19T>C

Gene: PARN (poly(A)-specific ribonuclease; minus strand). Cytogenetic location: 16p13.12.
Variant type: single nucleotide variant.
Coding change: c.620+19T>C on transcript NM_002582.4 (MANE Select); 19 bases into the intron after coding-DNA position 620, T replaced by C.
Molecular consequence: intron variant.
Genome position (GRCh38, 1-based): chr16:14,609,039, A>G on the plus strand (T>C on the coding strand, the complement: PARN is on the minus strand). VCF-style: chr16-14609039-A-G. GRCh37 (hg19) VCF-style: chr16-14702896-A-G.
Other names: c.437+19T>C (NM_001134477.3); c.482+19T>C (NM_001242992.2).
Identifiers: ClinVar variation 4790409 (VCV004790409.2).